The following is an entry in ClinVar:

NM_152564.5(VPS13B):c.1721C>G (p.Thr574Ser)

Gene: VPS13B (vacuolar protein sorting 13 homolog B; plus strand). Cytogenetic location: 8q22.2.
Variant type: single nucleotide variant.
Coding change: c.1721C>G on transcript NM_152564.5 (MANE Select); coding-DNA position 1721, C replaced by G.
Protein change: p.Thr574Ser; replaces threonine 574 with serine.
Molecular consequence: missense variant.
Genome position (GRCh38, 1-based): chr8:99,143,043, C>G. VCF-style: chr8-99143043-C-G. GRCh37 (hg19) VCF-style: chr8-100155271-C-G.
Other names: c.1721C>G, p.Thr574Ser (NM_015243.3, NM_017890.5); short protein forms T574S.
Identifiers: ClinVar variation 1383569 (VCV001383569.6), dbSNP rs2132581141, ClinGen allele CA371863937.

ClinVar aggregate classification (germline): Uncertain significance (1 of 4 stars; one submission).

Conditions:
Cohen syndrome (COH1). Also called: Cutis verticis gyrata, retinitis pigmentosa, and sensorineural deafness; PEPPER SYNDROME. Identifiers: Orphanet 193, MedGen C0265223, MONDO:0008999, OMIM 216550.

Submission:

Labcorp Genetics (formerly Invitae), Labcorp
Classification: Uncertain significance for Cohen syndrome. Last evaluated: 2021-12-18. Review status: criteria provided, single submitter. Criteria: Invitae Variant Classification Sherloc (09022015). Collection method: clinical testing. Allele origin: germline.
Comment: This variant is not present in population databases (gnomAD no frequency). In summary, the available evidence is currently insufficient to determine the role of this variant in disease. Therefore, it has been classified as a Variant of Uncertain Significance. Algorithms developed to predict the effect of missense changes on protein structure and function are either unavailable or do not agree on the potential impact of this missense change (SIFT: "Not Available"; PolyPhen-2: "Possibly Damaging"; Align-GVGD: "Not Available"). This variant has not been reported in the literature in individuals affected with VPS13B-related conditions. This sequence change replaces threonine, which is neutral and polar, with serine, which is neutral and polar, at codon 574 of the VPS13B protein (p.Thr574Ser).